The following is an entry in ClinVar:

NM_000540.3(RYR1):c.2590C>T (p.Pro864Ser)

Gene: RYR1 (ryanodine receptor 1; plus strand). Cytogenetic location: 19q13.2.
Variant type: single nucleotide variant.
Coding change: c.2590C>T on transcript NM_000540.3 (MANE Select); coding-DNA position 2590, C replaced by T.
Protein change: p.Pro864Ser; replaces proline 864 with serine.
Molecular consequence: missense variant.
Genome position (GRCh38, 1-based): chr19:38,463,435, C>T. VCF-style: chr19-38463435-C-T. GRCh37 (hg19) VCF-style: chr19-38954075-C-T.
Other names: c.2590C>T, p.Pro864Ser (NM_001042723.2); short protein forms P864S.
Identifiers: ClinVar variation 430355 (VCV000430355.3), dbSNP rs1131691920, ClinGen allele CA405631740.

ClinVar aggregate classification (germline): Uncertain significance. Review status: criteria provided, multiple submitters, no conflicts (2 of 4 stars). 2 submissions from 2 submitters: Uncertain significance (2). Last evaluated 2023-12-13.

Conditions:
Malignant hyperthermia, susceptibility to, 1 (MHS1). Also called: Anesthesia related hyperthermia; Malignant hyperpyrexia; Fulminating hyperpyrexia; Pharmacogenic myopathy; RYR1-Related Malignant Hyperthermia Susceptibility; Malignant hyperthermia suceptibility 1. Identifiers: Orphanet 423, MedGen C2930980, MONDO:0007783, OMIM 145600.

Submissions (2):

All of Us Research Program, National Institutes of Health
Classification: Uncertain significance for Malignant hyperthermia, susceptibility to, 1. Last evaluated: 2023-12-13. Review status: criteria provided, single submitter. Criteria: ACMG Guidelines, 2015. Collection method: clinical testing. Allele origin: germline. Inheritance: Autosomal dominant inheritance. Observed: 1 variant allele, 1 heterozygote.
Comment: This missense variant replaces proline with serine at codon 864 of the RYR1 protein. Computational prediction is inconclusive regarding the impact of this variant on protein structure and function (internally defined REVEL score threshold 0.5 < inconclusive < 0.7, PMID: 27666373). To our knowledge, functional studies have not been reported for this variant. This variant has not been reported in individuals affected with RYR1-related disorders in the literature. This variant has not been identified in the general population by the Genome Aggregation Database (gnomAD). The available evidence is insufficient to determine the role of this variant in disease conclusively. Therefore, this variant is classified as a Variant of Uncertain Significance.

This study involves interpretation of variants in research participants for the purpose of population health screening. Participant phenotype was not available at the time of variant classification. Additional details can be found in publication PMID: 35346344, PMCID: PMC8962531

GeneDx
Classification: Uncertain significance. Last evaluated: 2017-05-25. Review status: criteria provided, single submitter. Criteria: GeneDx Variant Classification (06012015). Collection method: clinical testing. Allele origin: germline. Affected: yes.
Comment: The P864S variant in the RYR1 gene has not been reported previously as a pathogenic variant, nor as a benign variant, to our knowledge. The P864S variant is not observed in large population cohorts (Lek et al., 2016; 1000 Genomes Consortium et al., 2015; Exome Variant Server). The P864S variant is a non-conservative amino acid substitution, which is likely to impact secondary protein structure as these residues differ in polarity, charge, size and/or other properties. This substitution occurs at a position that is conserved across species. In silico analysis predicts this variant is probably damaging to the protein structure/function. We interpret P864S as a variant of uncertain significance.